The following is an entry in ClinVar:

NM_032043.3(BRIP1):c.205+4A>G

Gene: BRIP1 (BRCA1 interacting DNA helicase 1; minus strand). Cytogenetic location: 17q23.2.
Variant type: single nucleotide variant.
Coding change: c.205+4A>G on transcript NM_032043.3 (MANE Select); 4 bases into the intron after coding-DNA position 205, A replaced by G.
Molecular consequence: intron variant.
Genome position (GRCh38, 1-based): chr17:61,859,792, T>C on the plus strand (A>G on the coding strand, the complement: BRIP1 is on the minus strand). VCF-style: chr17-61859792-T-C. GRCh37 (hg19) VCF-style: chr17-59937153-T-C.
Identifiers: ClinVar variation 407828 (VCV000407828.7), dbSNP rs1060501753, ClinGen allele CA16615547.

ClinVar aggregate classification (germline): Uncertain significance (1 of 4 stars; one submission).

Conditions:
Familial cancer of breast. Also called: Hereditary breast cancer; hereditary breast carcinoma; BREAST CANCER, FAMILIAL. Identifiers: Orphanet 227535, MedGen C0346153, MONDO:0016419, OMIM 114480. Disease mechanism: loss of function.
Fanconi anemia complementation group J. Also called: BRIP1-Related Fanconi Anemia. Identifiers: Orphanet 84, MedGen C1836860, MONDO:0012187, OMIM 609054.

Submission:

Labcorp Genetics (formerly Invitae), Labcorp
Classification: Uncertain significance for Familial cancer of breast; Fanconi anemia complementation group J. Last evaluated: 2016-12-17. Review status: criteria provided, single submitter. Criteria: Invitae Variant Classification Sherloc (09022015). Collection method: clinical testing. Allele origin: germline.
Comment: In summary, this is a novel intronic change with uncertain impact on splicing. It has been classified as a Variant of Uncertain Significance. Algorithms developed to predict the effect of sequence changes on RNA splicing suggest that this variant may alter RNA splicing, but this prediction has not been confirmed by published transcriptional studies. This variant is not present in population databases (ExAC no frequency) and has not been reported in the literature in individuals with a BRIP1-related disease. This sequence change falls in intron 3 of the BRIP1 gene. It does not directly change the encoded amino acid sequence of the BRIP1 protein.